The following is an entry in ClinVar:

NM_080680.3(COL11A2):c.2444T>G (p.Phe815Cys)

Gene: COL11A2 (collagen type XI alpha 2 chain; minus strand). Cytogenetic location: 6p21.32.
Variant type: single nucleotide variant.
Coding change: c.2444T>G on transcript NM_080680.3 (MANE Select); coding-DNA position 2444, T replaced by G.
Protein change: p.Phe815Cys; replaces phenylalanine 815 with cysteine.
Molecular consequence: missense variant.
Genome position (GRCh38, 1-based): chr6:33,174,205, A>C on the plus strand (T>G on the coding strand, the complement: COL11A2 is on the minus strand). VCF-style: chr6-33174205-A-C. GRCh37 (hg19) VCF-style: chr6-33141982-A-C.
Other names: c.2264T>G, p.Phe755Cys (NM_001424108.1); c.1598T>G, p.Phe533Cys (NM_001424109.1); c.1418T>G, p.Phe473Cys (NM_001424110.1, NM_001424111.1); c.398T>G, p.Phe133Cys (NM_001424112.1); c.2123T>G, p.Phe708Cys (NM_080679.3); c.2186T>G, p.Phe729Cys (NM_080681.3); short protein forms F133C, F473C, F533C, F708C, F729C, F755C, F815C.
Identifiers: ClinVar variation 3359799 (VCV003359799.1).
Genomic context (GRCh38, chr6:33,174,205, plus strand): 5'-CCTCCCACCCCCCAGCTTACCCGGGCTCCCTTCTCTCCACTGGCACCAGGAAAGCCAGGA[A>C]ATCCTAGGGACCCCTGGTGAGAACGGAGAAGGGGGGAAATTGAGAAGTTATGAAAGGTAG-3'
Protein context (NP_542411.2, residues 805-825): GRQGPKGSLG[Phe815Cys]PGFPGASGEK

ClinVar aggregate classification (germline): Uncertain significance (1 of 4 stars; one submission).

Submission:

GeneDx
Classification: Uncertain significance. Last evaluated: 2023-06-12. Review status: criteria provided, single submitter. Criteria: GeneDx Variant Classification Process June 2021. Collection method: clinical testing. Allele origin: germline. Affected: yes.
Comment: Not observed at significant frequency in large population cohorts (gnomAD); In silico analysis supports that this missense variant has a deleterious effect on protein structure/function; Occurs in the triple helical domain at the X position in the canonical Gly-X-Y repeat; although this variant may have an effect on normal protein folding and function, missense substitution at the X position is not a common mechanism of disease; Has not been previously published as pathogenic or benign to our knowledge